The following is an entry in ClinVar:

NM_000059.4(BRCA2):c.4211del (p.Thr1403_Ser1404insTer)

Gene: BRCA2 (BRCA2 DNA repair associated; plus strand). Cytogenetic location: 13q13.1.
Variant type: Deletion.
Coding change: c.4211del on transcript NM_000059.4 (MANE Select); coding-DNA position 4211, one base deleted (C; older notation c.4211delC).
Protein change: p.Thr1403_Ser1404insTer.
Molecular consequence: nonsense.
Genome position (GRCh38, 1-based): chr13:32,338,566, C deleted. VCF-style (leftmost placement, unchanged base first): chr13-32338565-TC-T. GRCh37 (hg19) VCF-style: chr13-32912702-TC-T.
Other names: 4439delC; c.4211delC (NM_000059.3).
Identifiers: ClinVar variation 91815 (VCV000091815.40), dbSNP rs398122777, ClinGen allele CA019731.

ClinVar aggregate classification (germline): Pathogenic. Review status: reviewed by expert panel (3 of 4 stars). 15 submissions from 15 submitters: Pathogenic (1). 14 of the submissions do not count toward it. Last evaluated 2016-09-08.

Conditions:
Breast-ovarian cancer, familial, susceptibility to, 2 (BROVCA2). Also called: BRCA2 Hereditary Breast and Ovarian Cancer. Identifiers: Orphanet 145, MedGen C2675520, MONDO:0012933, OMIM 612555. Disease mechanism: loss of function.
Hereditary cancer-predisposing syndrome. Also called: Tumor predisposition; Hereditary Cancer Syndrome; Neoplastic Syndromes, Hereditary; Hereditary neoplastic syndrome. Identifiers: Orphanet 140162, MedGen C0027672, MeSH D009386, MONDO:0015356.
Hereditary breast ovarian cancer syndrome. Also called: Breast and ovarian cancer; Hereditary breast and ovarian cancer; Hereditary breast and ovarian cancer syndrome; BRCA1- and BRCA2-Associated Hereditary Breast and Ovarian Cancer; Hereditary breast and ovarian cancer syndrome (HBOC); Hereditary breast and/or ovarian cancer syndrome. Identifiers: Orphanet 145, MedGen C0677776, MeSH D061325, MONDO:0003582. Disease mechanism: loss of function.
Familial cancer of breast. Also called: BREAST CANCER, FAMILIAL; hereditary breast carcinoma; Hereditary breast cancer. Identifiers: Orphanet 227535, MedGen C0346153, MONDO:0016419, OMIM 114480. Disease mechanism: loss of function.

Allele frequency attached by ClinVar (database versions not stated): gnomAD exomes below 0.00001; TOPMed 0.00001.

Submissions (15):

Evidence-based Network for the Interpretation of Germline Mutant Alleles (ENIGMA)
Classification: Pathogenic for Breast-ovarian cancer, familial, susceptibility to, 2. Last evaluated: 2016-09-08. Review status: reviewed by expert panel. Criteria: ENIGMA BRCA1/2 Classification Criteria (2015). Collection method: curation. Allele origin: germline.
Comment: Variant allele predicted to encode a truncated non-functional protein.

Labcorp Genetics (formerly Invitae), Labcorp
Classification: Pathogenic for Hereditary breast ovarian cancer syndrome. Last evaluated: 2026-01-10. Review status: criteria provided, single submitter. Criteria: Invitae Variant Classification Sherloc (09022015). Collection method: clinical testing. Allele origin: germline. Not counted in ClinVar's aggregate classification.
Comment: This sequence change creates a premature translational stop signal (p.Ser1404*) in the BRCA2 gene. It is expected to result in an absent or disrupted protein product. Loss-of-function variants in BRCA2 are known to be pathogenic (PMID: 20104584). This variant is not present in population databases (gnomAD no frequency). This variant has not been reported in the literature in individuals affected with BRCA2-related conditions. ClinVar contains an entry for this variant (Variation ID: 91815). For these reasons, this variant has been classified as Pathogenic.

Ambry Genetics
Classification: Pathogenic for Hereditary cancer-predisposing syndrome. Last evaluated: 2025-12-01. Review status: criteria provided, single submitter. Criteria: Ambry Variant Classification Scheme 2023. Collection method: clinical testing. Allele origin: germline. Not counted in ClinVar's aggregate classification.
Comment: The c.4211delC pathogenic mutation, located in coding exon 10 of the BRCA2 gene, results from a deletion of one nucleotide at nucleotide position 4211, causing a translational frameshift with a predicted alternate stop codon (p.S1404*). This variant is considered to be rare based on population cohorts in the Genome Aggregation Database (gnomAD). This alteration is expected to result in loss of function by premature protein truncation or nonsense-mediated mRNA decay. As such, this alteration is interpreted as a disease-causing mutation.

Color Diagnostics, LLC DBA Color Health
Classification: Pathogenic for Hereditary cancer-predisposing syndrome. Last evaluated: 2025-06-30. Review status: criteria provided, single submitter. Criteria: ACMG Guidelines, 2015. Collection method: clinical testing. Allele origin: germline. Not counted in ClinVar's aggregate classification.
Comment: This variant deletes 1 nucleotide in exon 11 of the BRCA2 gene, creating a frameshift and premature translation stop signal. This variant is expected to result in an absent or non-functional protein product. This variant has been detected in at least three suspected hereditary breast and ovarian cancer families (PMID: 29446198, 30039884) and a different mutation resulting in a stop codon at the same position has been reported in an individual affected with pancreatic cancer (PMID: 25151137). This variant has not been identified in the general population by the Genome Aggregation Database (gnomAD). Loss of BRCA2 function is a known mechanism of disease. Based on the available evidence, this variant is classified as Pathogenic.

GeneDx
Classification: Pathogenic. Last evaluated: 2024-09-24. Review status: criteria provided, single submitter. Criteria: GeneDx Variant Classification Process June 2021. Collection method: clinical testing. Allele origin: germline. Affected: yes. Not counted in ClinVar's aggregate classification.
Comment: Nonsense variant predicted to result in protein truncation or nonsense mediated decay in a gene for which loss of function is a known mechanism of disease; Not observed at significant frequency in large population cohorts (gnomAD); Truncating variants in this gene are considered pathogenic by a well-established clinical consortium and/or database; Also known as 4439delC; This variant is associated with the following publications: (PMID: 25151137, 29580149, 30787465, 36974724, 34428338, 29446198, 30039884, 20104584, 31892343, 31447099)

Baylor Genetics
Classification: Pathogenic for Familial cancer of breast. Last evaluated: 2023-11-17. Review status: criteria provided, single submitter. Criteria: ACMG Guidelines, 2015. Collection method: clinical testing. Allele origin: unknown. Not counted in ClinVar's aggregate classification.

Quest Diagnostics Nichols Institute San Juan Capistrano
Classification: Pathogenic. Last evaluated: 2023-10-04. Review status: criteria provided, single submitter. Criteria: Quest Diagnostics criteria. Collection method: clinical testing. Allele origin: unknown. Not counted in ClinVar's aggregate classification.
Comment: The BRCA2 c.4211del (p.Ser1404*) variant causes the premature termination of BRCA2 protein synthesis. This variant has been reported in the published literature, this variant has been reported in an individual with breast cancer (PMID: 25151137 (2015)). This variant has also been detected in large screening studies (PMID: 29446198 (2018), 31447099 (2019), 31892343 (2019)). This variant has not been reported in large, multi-ethnic general populations (Genome Aggregation Database). Based on the available information, this variant is classified as pathogenic.

Revvity Omics, Revvity
Classification: Pathogenic. Last evaluated: 2022-11-29. Review status: criteria provided, single submitter. Criteria: ACMG Guidelines, 2015. Collection method: clinical testing. Allele origin: germline. Not counted in ClinVar's aggregate classification.

Laboratory for Molecular Medicine, Mass General Brigham Personalized Medicine
Classification: Pathogenic for Hereditary breast ovarian cancer syndrome. Last evaluated: 2021-03-14. Review status: criteria provided, single submitter. Criteria: LMM Criteria. Collection method: clinical testing. Allele origin: germline. Observed: 1 variant allele. Not counted in ClinVar's aggregate classification.
Comment: The p.Ser1404X variant in BRCA2 has been reported in at least 2 individuals with BRCA2-associated cancers (Guan 2015 PMID: 25151137; Dong 2018 PMID: 30039884), in 1 individual with a family history of breast and ovarian cancer (HBOC) that had undergone clinical genetic testing (Rebbeck 2018 PMID: 29446198) and was absent from large population studies. This variant is a single base deletion that creates a premature termination codon at position 1404, resulting in a nonsense variant which is predicted to lead to a truncated or absent protein. Loss of function of the BRCA2 gene is an established disease mechanism in autosomal dominant hereditary breast and ovarian cancer (HBOC). Moreover, this variant was classified as pathogenic on September 13, 2016 by the ClinGen-approved ENIGMA expert panel and several clinical labs (Variation ID 91815). In summary, this variant meets criteria to be classified as pathogenic for autosomal dominant HBOC. ACMG/AMP Criteria applied: PVS1, PM2_supporting, PS4_Supporting.

Women's Health and Genetics/Laboratory Corporation of America, LabCorp
Classification: Pathogenic for Hereditary breast and ovarian cancer syndrome. Last evaluated: 2020-01-06. Review status: criteria provided, single submitter. Criteria: LabCorp Variant Classification Summary - May 2015. Collection method: clinical testing. Allele origin: germline. Not counted in ClinVar's aggregate classification.
Comment: Variant summary: BRCA2 c.4211delC (p.Ser1404X) results in a premature termination codon, predicted to cause a truncation of the encoded protein or absence of the protein due to nonsense mediated decay, which are commonly known mechanisms for disease. Truncations downstream of this position have been classified as pathogenic by our laboratory. The variant was absent in 235862 control chromosomes. c.4211delC has been reported in the literature in individuals affected with Hereditary Breast and Ovarian Cancer (Rebbeck_2018). To our knowledge, no experimental evidence demonstrating an impact on protein function has been reported. Six clinical diagnostic laboratories have submitted clinical-significance assessments for this variant to ClinVar after 2014 without evidence for independent evaluation. All laboratories classified the variant as pathogenic. Based on the evidence outlined above, the variant was classified as pathogenic.

Consortium of Investigators of Modifiers of BRCA1/2 (CIMBA), c/o University of Cambridge
Classification: Pathogenic for Breast-ovarian cancer, familial, susceptibility to, 2. Last evaluated: 2015-10-02. Review status: criteria provided, single submitter. Criteria: CIMBA Mutation Classification guidelines May 2016. Collection method: clinical testing. Allele origin: germline. Not counted in ClinVar's aggregate classification.

Research Molecular Genetics Laboratory, Women's College Hospital, University of Toronto
Classification: Pathogenic for Hereditary breast ovarian cancer syndrome. Last evaluated: 2014-01-31. Review status: no assertion criteria provided. Collection method: research. Allele origin: germline. Affected: yes. Study: The Canadian Open Genetics Repository (COGR). Not counted in ClinVar's aggregate classification.

Sharing Clinical Reports Project (SCRP)
Classification: Pathogenic for Breast-ovarian cancer, familial 2. Last evaluated: 2010-11-18. Review status: no assertion criteria provided. Collection method: clinical testing. Allele origin: germline. Not counted in ClinVar's aggregate classification.

Clinical Genetics Laboratory, Department of Pathology, Netherlands Cancer Institute
Classification: Pathogenic. Review status: no assertion criteria provided. Collection method: clinical testing. Allele origin: germline. Affected: yes. Study: VKGL Data-share Consensus. Not counted in ClinVar's aggregate classification.

Diagnostic Laboratory, Department of Genetics, University Medical Center Groningen
Classification: Pathogenic. Review status: no assertion criteria provided. Collection method: clinical testing. Allele origin: germline. Affected: yes. Study: VKGL Data-share Consensus. Not counted in ClinVar's aggregate classification.

Literature cited by the submitters: PubMed 20104584 (cited by Labcorp Genetics (formerly Invitae), Labcorp); PubMed 25151137 (cited by 3 submitters); PubMed 29446198 (cited by 4 submitters); PubMed 30039884 (cited by 3 submitters); PubMed 31447099 (cited by Quest Diagnostics Nichols Institute San Juan Capistrano); PubMed 31892343 (cited by Quest Diagnostics Nichols Institute San Juan Capistrano).